The following is an entry in ClinVar:

ClinVar aggregate classification (germline): Pathogenic/Likely pathogenic. Review status: criteria provided, multiple submitters, no conflicts (2 of 4 stars). 5 submissions from 5 submitters: Pathogenic (3); Likely pathogenic (1). 1 of the submissions does not count toward it. Last evaluated 2024-11-15.

Conditions:
EDA-related disorder. Also called: EDA-related condition; EDA-related disorders.
Hypohidrotic X-linked ectodermal dysplasia (XHED). Also called: ECTODERMAL DYSPLASIA, HYPOHIDROTIC, 1; CST SYNDROME; Anhidrotic ectodermal dysplasia X-linked; Christ Siemens Touraine syndrome; ECTODERMAL DYSPLASIA 1, HYPOHIDROTIC, X-LINKED; ECTODERMAL DYSPLASIA 1, HYPOHIDROTIC/HAIR/TOOTH TYPE, X-LINKED. Identifiers: Orphanet 181, Orphanet 238468, MedGen C0162359, MONDO:0010585, OMIM 305100.

Submissions (5):

Labcorp Genetics (formerly Invitae), Labcorp
Classification: Pathogenic for Hypohidrotic X-linked ectodermal dysplasia. Last evaluated: 2024-11-15. Review status: criteria provided, single submitter. Criteria: Invitae Variant Classification Sherloc (09022015). Collection method: clinical testing. Allele origin: germline.
Comment: This variant, c.648_683del, results in the deletion of 12 amino acid(s) of the EDA protein (p.Pro219_Gly230del), but otherwise preserves the integrity of the reading frame. This variant is not present in population databases (gnomAD no frequency). This variant has been observed in individual(s) with ectodermal dysplasia (PMID: 29444360). ClinVar contains an entry for this variant (Variation ID: 228337). This variant disrupts a region of the EDA protein in which other variant(s) (p.Pro220_Pro225del) have been determined to be pathogenic (PMID: 9736768, 21357618, 27305980). This suggests that this is a clinically significant region of the protein, and that variants that disrupt it are likely to be disease-causing. For these reasons, this variant has been classified as Pathogenic.

Revvity Omics, Revvity
Classification: Likely pathogenic. Last evaluated: 2020-04-04. Review status: criteria provided, single submitter. Criteria: ACMG Guidelines, 2015. Collection method: clinical testing. Allele origin: germline.

GeneDx
Classification: Pathogenic. Last evaluated: 2017-10-17. Review status: criteria provided, single submitter. Criteria: GeneDx Variant Classification (06012015). Collection method: clinical testing. Allele origin: germline. Affected: yes.
Comment: The c.648_683del36 deletion has not been reported previously in association with X-linked hypohidrotic ectodermal dysplasia (HED) to our knowledge. This in-frame deletion results in the deletion of 12 amino acids in the collagen-like domain of the ectodysplasin protein, beginning at Proline 219 and ending at Glycine 230, denoted p.Pro219_Gly230del. This variant is not expected to result in protein truncation or nonsense-mediated mRNA decay. An in-frame deletion beginning from the same position, c.648_665del18, has been published in the Human Gene Mutation Database in association with hypohidrotic ectodermal dysplasia. Therefore, the c.648_683del36 deletion is interpreted as a pathogenic variant.

Laboratory for Molecular Medicine, Mass General Brigham Personalized Medicine
Classification: Pathogenic for Hypohidrotic X-linked ectodermal dysplasia. Last evaluated: 2015-03-04. Review status: criteria provided, single submitter. Criteria: LMM Criteria. Collection method: clinical testing. Allele origin: germline. Inheritance: X-linked inheritance. Observed: 1 variant allele.
Comment: The p.Pro219_Gly230del variant in EDA has not been previously reported in indivi duals with XLHED. However, this variant results in an in-frame deletion of 11 am ino acids from the conserved Gly-X-Y repeat region of the collagen subdomain of the EDA protein. Several adjacent and overlapping in-frame and frameshift deleti ons have been identified in patients with clinical features of XLHED (Bayes 1998 , Cluzeau 2011, Zhang 2011, LMM unpublished data), indicating that this region i s intolerant to these types of variation. In summary, this variant meets our cri teria to be classified as pathogenic for hypohidrotic ectodermal dysplasia in an X-linked manner.

PreventionGenetics, part of Exact Sciences
Classification: Pathogenic for EDA-related condition. Last evaluated: 2024-03-13. Review status: no assertion criteria provided. Collection method: clinical testing. Allele origin: germline. Not counted in ClinVar's aggregate classification.
Comment: The EDA c.648_683del36 variant is predicted to result in an in-frame deletion (p.Pro219_Gly230del). This variant has been reported in the hemizygous state in an individual with hypohidrotic ectodermal dysplasia (Feng et al. 2018. PubMed ID: 29444360). Alternate in-frame deletions in this same region have also been been reported in individuals with hypohidrotic ectodermal dysplasia (Wohlfart et al. 2020. PubMed ID: 31924237). This variant has not been reported in a large population database, indicating this variant is rare. This variant is interpreted as pathogenic.

Literature cited by the submitters: PubMed 29444360 (cited by Labcorp Genetics (formerly Invitae), Labcorp); PubMed 9736768 (cited by Labcorp Genetics (formerly Invitae), Labcorp and Laboratory for Molecular Medicine, Mass General Brigham Personalized Medicine); PubMed 21357618 (cited by Labcorp Genetics (formerly Invitae), Labcorp); PubMed 27305980 (cited by Labcorp Genetics (formerly Invitae), Labcorp); PubMed 21457804 (cited by Laboratory for Molecular Medicine, Mass General Brigham Personalized Medicine); PubMed 20979233 (cited by Laboratory for Molecular Medicine, Mass General Brigham Personalized Medicine).

NM_001399.5(EDA):c.648_683del (p.Pro219_Gly230del)

Gene: EDA (ectodysplasin A; plus strand). Cytogenetic location: Xq13.1.
Variant type: Deletion.
Coding change: c.648_683del on transcript NM_001399.5 (MANE Select); coding-DNA positions 648 to 683, 36 bases deleted.
Protein change: p.Pro219_Gly230del.
Molecular consequence: inframe deletion.
Genome position (GRCh38, 1-based): chrX:70,027,978-70,028,013, 36 bases deleted; deleting any 36 consecutive bases within chrX:70,027,973-70,028,013 gives the same sequence; the c. name uses the placement nearest the transcript's 3' end. GRCh37 (hg19): chrX:69,247,828-69,247,863.
Other names: c.648_683del, p.Pro219_Gly230del (NM_001005609.2, NM_001005612.3).
Identifiers: ClinVar variation 228337 (VCV000228337.16), dbSNP rs876657685, ClinGen allele CA10577173.